The following is an entry in ClinVar:

ClinVar aggregate classification (germline): Uncertain significance (1 of 4 stars; one submission).

Submission:

Greenwood Genetic Center Diagnostic Laboratories, Greenwood Genetic Center
Classification: Uncertain significance. Last evaluated: 2025-11-07. Review status: criteria provided, single submitter. Criteria: ACMG Guidelines, 2015. Collection method: clinical testing. Allele origin: germline. Affected: yes.
Comment: PS2

NM_006885.4(ZFHX3):c.10947_10948del (p.Val3651fs)

Genes: ZFHX3 (zinc finger homeobox 3; minus strand), ZFHX3-AS1 (ZFHX3 antisense RNA 1; plus strand). Cytogenetic location: 16q22.2.
Variant type: Deletion.
Coding change: c.10947_10948del on transcript NM_006885.4 (MANE Select); coding-DNA positions 10947 to 10948, 2 bases deleted (AG; older notation c.10947_10948delAG).
Protein change: p.Val3651fs; shifts the reading frame from valine 3651.
Molecular consequence: frameshift variant. On other transcripts: non-coding transcript variant (1).
Genome position (GRCh38, 1-based): chr16:72,787,328-72,787,329, CT deleted on the plus strand (AG on the coding strand, the reverse complement: ZFHX3 is on the minus strand). VCF-style (leftmost placement, unchanged base first): chr16-72787327-CCT-C. GRCh37 (hg19) VCF-style: chr16-72821226-CCT-C.
Other names: c.8205_8206del, p.Val2737fs (NM_001164766.2); c.10947_10948del, p.Val3651fs (NM_001386735.1); short protein forms V2737fs, V3651fs.
Identifiers: ClinVar variation 4845447 (VCV004845447.1).